The following is an entry in ClinVar:

NM_001330588.2(TPP2):c.238A>G (p.Thr80Ala)

Gene: TPP2 (tripeptidyl peptidase 2; plus strand). Cytogenetic location: 13q33.1.
Variant type: single nucleotide variant.
Coding change: c.238A>G on transcript NM_001330588.2 (MANE Select); coding-DNA position 238, A replaced by G.
Protein change: p.Thr80Ala; replaces threonine 80 with alanine.
Molecular consequence: missense variant. On other transcripts: non-coding transcript variant (1).
Genome position (GRCh38, 1-based): chr13:102,604,865, A>G. VCF-style: chr13-102604865-A-G. GRCh37 (hg19) VCF-style: chr13-103257215-A-G.
Other names: c.238A>G, p.Thr80Ala (NM_003291.4, NM_001367947.1); short protein forms T80A.
Identifiers: ClinVar variation 3682303 (VCV003682303.2).
Genomic context (GRCh38, chr13:102,604,865, plus strand): 5'-GGAAAACCAAAAATCGTTGATATCATTGATACAACAGGAAGTGGCGATGTGAATACTGCT[A>G]CAGAAGTAGAGCCAAAGGATGGTGAGATTGTTGGCCTTTCAGGAAGAGTGCTTAAGGTGA-3'
Protein context (NP_001317517.1, residues 70-90): TTGSGDVNTA[Thr80Ala]EVEPKDGEIV

ClinVar aggregate classification (germline): Uncertain significance (1 of 4 stars; one submission).

Conditions:
Evans syndrome, immunodeficiency, and premature immunosenescence associated with tripeptidyl-peptidase II deficiency. Identifiers: MedGen CN231723. Disease mechanism: loss of function.

gnomAD v4.1: 5 of 1,614,166 alleles (0.00031%); highest among the groups gnomAD compares: Non-Finnish European, 0.00042%; no homozygotes.

Submission:

Labcorp Genetics (formerly Invitae), Labcorp
Classification: Uncertain significance for Evans syndrome, immunodeficiency, and premature immunosenescence associated with tripeptidyl-peptidase II deficiency. Last evaluated: 2024-06-23. Review status: criteria provided, single submitter. Criteria: Invitae Variant Classification Sherloc (09022015). Collection method: clinical testing. Allele origin: germline.
Comment: This sequence change replaces threonine, which is neutral and polar, with alanine, which is neutral and non-polar, at codon 80 of the TPP2 protein (p.Thr80Ala). This variant is not present in population databases (gnomAD no frequency). This variant has not been reported in the literature in individuals affected with TPP2-related conditions. An algorithm developed to predict the effect of missense changes on protein structure and function (PolyPhen-2) suggests that this variant is likely to be disruptive. In summary, the available evidence is currently insufficient to determine the role of this variant in disease. Therefore, it has been classified as a Variant of Uncertain Significance.